The following is an entry in ClinVar:

NM_001042492.3(NF1):c.1465_1466insGGAGACAAGAAGAGA (p.Tyr489delinsTrpArgGlnGluGluAsn)

Gene: NF1 (neurofibromin 1; plus strand). Cytogenetic location: 17q11.2.
Variant type: Insertion.
Coding change: c.1465_1466insGGAGACAAGAAGAGA on transcript NM_001042492.3 (MANE Select); coding-DNA positions 1465 to 1466, GGAGACAAGAAGAGA inserted.
Protein change: p.Tyr489delinsTrpArgGlnGluGluAsn.
Molecular consequence: inframe indel.
Genome position: GRCh38 VCF-style: chr17-31214523-T-TGGAGACAAGAAGAGA. GRCh37 (hg19) VCF-style: chr17-29541541-T-TGGAGACAAGAAGAGA.
Other names: c.1465_1466insGGAGACAAGAAGAGA, p.Tyr489delinsTrpArgGlnGluGluAsn (NM_001128147.3, NM_000267.4).
Identifiers: ClinVar variation 2719371 (VCV002719371.3), dbSNP rs2544829513, ClinGen allele CA2697559676.

ClinVar aggregate classification (germline): Uncertain significance (1 of 4 stars; one submission).

Conditions:
Neurofibromatosis, type 1 (NF1). Also called: Neurofibromatosis, type I; NEUROFIBROMATOSIS, TYPE I, SOMATIC; Peripheral type neurofibromatosis; VON RECKLINGHAUSEN DISEASE. Identifiers: Orphanet 636, MedGen C0027831, MONDO:0018975, OMIM 162200. Disease mechanism: loss of function.

Submission:

Labcorp Genetics (formerly Invitae), Labcorp
Classification: Uncertain significance for Neurofibromatosis, type 1. Last evaluated: 2023-06-19. Review status: criteria provided, single submitter. Criteria: Invitae Variant Classification Sherloc (09022015). Collection method: clinical testing. Allele origin: germline.
Comment: In summary, the available evidence is currently insufficient to determine the role of this variant in disease. Therefore, it has been classified as a Variant of Uncertain Significance. Experimental studies and prediction algorithms are not available or were not evaluated, and the functional significance of this variant is currently unknown. This variant has not been reported in the literature in individuals affected with NF1-related conditions. This variant is not present in population databases (gnomAD no frequency). This variant, c.1465_1466insGGAGACAAGAAGAGA, is a complex sequence change that results in the deletion of 1 and insertion of 6 amino acid(s) in the NF1 protein (p.Tyr489delinsTrpArgGlnGluGluAsn).